The following is an entry in ClinVar:

NM_031407.7(HUWE1):c.12404A>C (p.His4135Pro)

Gene: HUWE1 (HECT, UBA and WWE domain containing E3 ubiquitin protein ligase 1; minus strand). Cytogenetic location: Xp11.22.
Variant type: single nucleotide variant.
Coding change: c.12404A>C on transcript NM_031407.7 (MANE Select); coding-DNA position 12404, A replaced by C.
Protein change: p.His4135Pro; replaces histidine 4135 with proline.
Molecular consequence: missense variant.
Genome position (GRCh38, 1-based): chrX:53,536,401, T>G on the plus strand (A>C on the coding strand, the complement: HUWE1 is on the minus strand). VCF-style: chrX-53536401-T-G. GRCh37 (hg19) VCF-style: chrX-53563362-T-G.
Other names: short protein forms H4135P.
Identifiers: ClinVar variation 1320047 (VCV001320047.2), dbSNP rs2146878120, ClinGen allele CA413150112.

ClinVar aggregate classification (germline): Pathogenic (1 of 4 stars; one submission).

Conditions:
Intellectual developmental disorder, X-linked, syndromic, Turner type. Also called: Intellectual disability, X-linked syndromic, Turner type; X-linked intellectual disability, Turner type. Identifiers: Orphanet 3056, Orphanet 85328, MedGen C2678046, MONDO:0010407, OMIM 309590.

Submission:

3billion
Classification: Pathogenic for Intellectual developmental disorder, X-linked, syndromic, Turner type. Last evaluated: 2025-01-16. Review status: criteria provided, single submitter. Criteria: ACMG Guidelines, 2015. Collection method: clinical testing. Allele origin: germline. Affected: yes.
Comment: The variant is not observed in the gnomAD v4.1.0 dataset. Predicted Consequence/Location: The variant is located in a mutational hot spot and/or well-established functional domain in which established pathogenic variants have been reported (PMID: 35937685). In silico tool predictions suggest damaging effect of the variant on gene or gene product [REVEL: 0.57 (>=0.6, sensitivity 0.68 and specificity 0.92); 3Cnet: 0.88 (>=0.6, sensitivity 0.72 and precision 0.9)]. The same nucleotide change resulting in the same amino acid change has been previously reported to be associated with HUWE1-related disorder (ClinVar ID: VCV001320047). Therefore, this variant is classified as Pathogenic (PS1_P, PS2_S, PM1_M, PM2_M, PP3_P) according to the recommendation of ACMG/AMP guideline.